The following is an entry in ClinVar:

ClinVar aggregate classification (germline): Likely pathogenic (1 of 4 stars; one submission).

Conditions:
Hereditary spastic paraplegia 46. Also called: Spastic paraplegia 46, autosomal recessive. Identifiers: Orphanet 320391, MedGen C2828721, MONDO:0013737, OMIM 614409.

Submission:

First Genomix Gene Laboratory, Genetic Diagnostics Department
Classification: Likely pathogenic for Hereditary spastic paraplegia 46. Last evaluated: 2025-06-25. Review status: criteria provided, single submitter. Criteria: ACMG Guidelines, 2015. Collection method: clinical testing. Allele origin: germline. Inheritance: Autosomal recessive inheritance. Affected: no.

NM_020944.3(GBA2):c.261dup (p.Ile88fs)

Gene: GBA2 (glucosylceramidase beta 2; minus strand). Cytogenetic location: 9p13.3.
Variant type: Duplication.
Coding change: c.261dup on transcript NM_020944.3 (MANE Select); coding-DNA position 261, one base duplicated (C; older notation c.261dupC).
Protein change: p.Ile88fs; shifts the reading frame from isoleucine 88.
Molecular consequence: frameshift variant.
Genome position (GRCh38, 1-based): chr9:35,748,444, G duplicated on the plus strand (C on the coding strand, the reverse complement: GBA2 is on the minus strand). VCF-style (leftmost placement, unchanged base first): chr9-35748443-T-TG. GRCh37 (hg19) VCF-style: chr9-35748440-T-TG.
Other names: c.261dup, p.Ile88fs (NM_001330660.2); c.261dupC (NM_020944.3); short protein forms I88fs.
Identifiers: ClinVar variation 4849457 (VCV004849457.1).